The following is an entry in ClinVar:

NM_002645.4(PIK3C2A):c.4667C>T (p.Pro1556Leu)

Gene: PIK3C2A (phosphatidylinositol-4-phosphate 3-kinase catalytic subunit type 2 alpha; minus strand). Cytogenetic location: 11p15.1.
Variant type: single nucleotide variant.
Coding change: c.4667C>T on transcript NM_002645.4 (MANE Select); coding-DNA position 4667, C replaced by T.
Protein change: p.Pro1556Leu; replaces proline 1556 with leucine.
Molecular consequence: missense variant.
Genome position (GRCh38, 1-based): chr11:17,091,632, G>A on the plus strand (C>T on the coding strand, the complement: PIK3C2A is on the minus strand). VCF-style: chr11-17091632-G-A. GRCh37 (hg19) VCF-style: chr11-17113179-G-A.
Other names: c.4667C>T, p.Pro1556Leu (NM_001321378.2); c.3527C>T, p.Pro1176Leu (NM_001321380.2); c.4499C>T, p.Pro1500Leu (NM_001386870.1); short protein forms P1176L, P1500L, P1556L.
Identifiers: ClinVar variation 4882657 (VCV004882657.2).

ClinVar aggregate classification (germline): Uncertain significance (1 of 4 stars; one submission).

Conditions:
Oculocerebrodental syndrome (OCSKD). Also called: OCULOSKELETODENTAL SYNDROME; CATARACTS, EARLY-ONSET, WITH SKELETAL AND DENTAL ANOMALIES. Identifiers: Orphanet 557003, MedGen C5193101, MONDO:0034145, OMIM 618440.

Submission:

Dasa
Classification: Uncertain significance for Oculocerebrodental syndrome. Last evaluated: 2025-03-31. Review status: criteria provided, single submitter. Criteria: DASA Assertion Criteria. Collection method: clinical testing. Allele origin: germline.
Comment: NM_002645.4(PIK3C2A):c.4667C>T (p.Pro1556Leu) is a missense variant that results in the substitution of proline with leucine. This variant is rare in population databases. Computational prediction algorithms are consistent with a benign effect. The currently available literature and clinical evidence are not sufficient to establish a definitive association between this variant and the reported condition. Therefore, this variant is classified as a variant of uncertain significance.